The following is an entry in ClinVar:

NM_006767.4(LZTR1):c.413G>C (p.Gly138Ala)

Gene: LZTR1 (leucine zipper like post translational regulator 1; plus strand). Cytogenetic location: 22q11.21.
Variant type: single nucleotide variant.
Coding change: c.413G>C on transcript NM_006767.4 (MANE Select); coding-DNA position 413, G replaced by C.
Protein change: p.Gly138Ala; replaces glycine 138 with alanine.
Molecular consequence: missense variant.
Genome position (GRCh38, 1-based): chr22:20,988,022, G>C. VCF-style: chr22-20988022-G-C. GRCh37 (hg19) VCF-style: chr22-21342311-G-C.
Other names: short protein forms G138A.
Identifiers: ClinVar variation 3366121 (VCV003366121.1).

ClinVar aggregate classification (germline): Uncertain significance (1 of 4 stars; one submission).

Submission:

GeneDx
Classification: Uncertain significance. Last evaluated: 2023-10-16. Review status: criteria provided, single submitter. Criteria: GeneDx Variant Classification Process June 2021. Collection method: clinical testing. Allele origin: germline. Affected: yes.
Comment: Has not been previously published as pathogenic or benign to our knowledge; Not observed at significant frequency in large population cohorts (gnomAD); In silico analysis supports that this missense variant has a deleterious effect on protein structure/function